The following is an entry in ClinVar:

ClinVar aggregate classification (germline): Uncertain significance. Review status: criteria provided, multiple submitters, no conflicts (2 of 4 stars). 2 submissions from 2 submitters: Uncertain significance (2). Last evaluated 2022-06-20.

Conditions:
Muscular dystrophy-dystroglycanopathy (congenital with brain and eye anomalies), type A2. Also called: MUSCULAR DYSTROPHY-DYSTROGLYCANOPATHY (CONGENITAL WITH BRAIN AND EYE ANOMALIES), TYPE A, 2; WALKER-WARBURG SYNDROME OR MUSCLE-EYE-BRAIN DISEASE, POMT2-RELATED. Identifiers: Orphanet 588, Orphanet 899, MedGen C3150411, MONDO:0013154, OMIM 613150.
Autosomal recessive limb-girdle muscular dystrophy type 2N. Also called: MUSCULAR DYSTROPHY-DYSTROGLYCANOPATHY, LIMB-GIRDLE, POMT2-RELATED; Muscular dystrophy-dystroglycanopathy (limb-girdle), type C, 2. Identifiers: Orphanet 206559, MedGen C3150418, MONDO:0013162, OMIM 613158.
Muscular dystrophy-dystroglycanopathy (congenital with impaired intellectual development), type B, 2. Also called: MUSCULAR DYSTROPHY, CONGENITAL, POMT2-RELATED; Muscular dystrophy-dystroglycanopathy (congenital with intellectual disability), type B2. Identifiers: MedGen C3150416, MONDO:0013160, OMIM 613156.
Inborn genetic diseases. Identifiers: MedGen C0950123, MeSH D030342.

Allele frequency attached by ClinVar (database versions not stated): gnomAD exomes 0.00002 and 0.00004; ExAC 0.00003.
gnomAD v4.1: 26 of 1,593,484 alleles (0.0016%); highest among the groups gnomAD compares: South Asian, 0.028%; no homozygotes.

Submissions (2):

Labcorp Genetics (formerly Invitae), Labcorp
Classification: Uncertain significance for Muscular dystrophy-dystroglycanopathy (congenital with impaired intellectual development), type B, 2; Muscular dystrophy-dystroglycanopathy (congenital with brain and eye anomalies), type A2; Autosomal recessive limb-girdle muscular dystrophy type 2N. Last evaluated: 2022-06-20. Review status: criteria provided, single submitter. Criteria: Invitae Variant Classification Sherloc (09022015). Collection method: clinical testing. Allele origin: germline.
Comment: This sequence change replaces leucine, which is neutral and non-polar, with proline, which is neutral and non-polar, at codon 14 of the POMT2 protein (p.Leu14Pro). This variant is present in population databases (rs777504929, gnomAD 0.03%). This variant has not been reported in the literature in individuals affected with POMT2-related conditions. Algorithms developed to predict the effect of missense changes on protein structure and function output the following: SIFT: "Tolerated"; PolyPhen-2: "Benign"; Align-GVGD: "Class C0". The proline amino acid residue is found in multiple mammalian species, which suggests that this missense change does not adversely affect protein function. In summary, the available evidence is currently insufficient to determine the role of this variant in disease. Therefore, it has been classified as a Variant of Uncertain Significance.

Ambry Genetics
Classification: Uncertain significance for Inborn genetic diseases. Last evaluated: 2022-03-29. Review status: criteria provided, single submitter. Criteria: Ambry Variant Classification Scheme 2023. Collection method: clinical testing. Allele origin: germline.

NM_013382.7(POMT2):c.41T>C (p.Leu14Pro)

Gene: POMT2 (protein O-mannosyltransferase 2; minus strand). Cytogenetic location: 14q24.3.
Variant type: single nucleotide variant.
Coding change: c.41T>C on transcript NM_013382.7 (MANE Select); coding-DNA position 41, T replaced by C.
Protein change: p.Leu14Pro; replaces leucine 14 with proline.
Molecular consequence: missense variant.
Genome position (GRCh38, 1-based): chr14:77,320,641, A>G on the plus strand (T>C on the coding strand, the complement: POMT2 is on the minus strand). VCF-style: chr14-77320641-A-G. GRCh37 (hg19) VCF-style: chr14-77786984-A-G.
Other names: c.41T>C (NM_013382.5); short protein forms L14P.
Identifiers: ClinVar variation 1427840 (VCV001427840.6), dbSNP rs777504929, ClinGen allele CA7286297.
Genomic context (GRCh38, chr14:77,320,641, plus strand): 5'-GCCACGTCCCGGCCTGCGGCCCTAGCAGCCTGGGGGCCACAGCGGCCCCTCCGGGGACGC[A>G]GCTCGGACTCTGCCAGGCCTCCGCCCGTGGCCGGCGGCATCTTCCCCCTCCTCTGGGTCG-3'
Protein context (NP_037514.2, residues 4-24): ATGGGLAESE[Leu14Pro]RPRRGRCGPQ